The following is an entry in ClinVar:

ClinVar aggregate classification (germline): Uncertain significance (1 of 4 stars; one submission).

Submission:

GeneDx
Classification: Uncertain significance. Last evaluated: 2026-01-25. Review status: criteria provided, single submitter. Criteria: GeneDx Variant Classification Process June 2021. Collection method: clinical testing. Allele origin: germline.
Comment: Not observed at significant frequency in large population cohorts (gnomAD); In silico analysis supports that this missense variant has a deleterious effect on protein structure/function; Has not been previously published as pathogenic or benign to our knowledge

NM_001257096.2(PAX1):c.410G>A (p.Ser137Asn)

Gene: PAX1 (paired box 1; plus strand). Cytogenetic location: 20p11.22.
Variant type: single nucleotide variant.
Coding change: c.410G>A on transcript NM_001257096.2 (MANE Select); coding-DNA position 410, G replaced by A.
Protein change: p.Ser137Asn; replaces serine 137 with asparagine.
Molecular consequence: missense variant.
Genome position (GRCh38, 1-based): chr20:21,706,561, G>A. VCF-style: chr20-21706561-G-A. GRCh37 (hg19) VCF-style: chr20-21687199-G-A.
Other names: c.410G>A, p.Ser137Asn (NM_006192.5); short protein forms S137N.
Identifiers: ClinVar variation 4975628 (VCV004975628.1).